The following is an entry in ClinVar:

NM_005228.5(EGFR):c.2941A>G (p.Ile981Val)

Gene: EGFR (epidermal growth factor receptor; plus strand). Cytogenetic location: 7p11.2.
Variant type: single nucleotide variant.
Coding change: c.2941A>G on transcript NM_005228.5 (MANE Select); coding-DNA position 2941, A replaced by G.
Protein change: p.Ile981Val; replaces isoleucine 981 with valine.
Molecular consequence: missense variant.
Genome position (GRCh38, 1-based): chr7:55,200,408, A>G. VCF-style: chr7-55200408-A-G. GRCh37 (hg19) VCF-style: chr7-55268101-A-G.
Other names: c.2806A>G, p.Ile936Val (NM_001346897.2, NM_001346899.2); c.2941A>G, p.Ile981Val (NM_001346898.2); c.2782A>G, p.Ile928Val (NM_001346900.2); c.2140A>G, p.Ile714Val (NM_001346941.2); short protein forms I714V, I936V, I981V, I928V.
Identifiers: ClinVar variation 2107060 (VCV002107060.4), dbSNP rs2128969995, ClinGen allele CA367582067.

ClinVar aggregate classification (germline): Uncertain significance (1 of 4 stars; one submission).

Conditions:
EGFR-related lung cancer (EGFR). Identifiers: MedGen CN130014.

Submission:

Labcorp Genetics (formerly Invitae), Labcorp
Classification: Uncertain significance for EGFR-related lung cancer. Last evaluated: 2022-03-05. Review status: criteria provided, single submitter. Criteria: Invitae Variant Classification Sherloc (09022015). Collection method: clinical testing. Allele origin: germline.
Comment: This sequence change replaces isoleucine, which is neutral and non-polar, with valine, which is neutral and non-polar, at codon 981 of the EGFR protein (p.Ile981Val). This variant is not present in population databases (gnomAD no frequency). This variant has not been reported in the literature in individuals affected with EGFR-related conditions. Algorithms developed to predict the effect of missense changes on protein structure and function are either unavailable or do not agree on the potential impact of this missense change (SIFT: "Deleterious"; PolyPhen-2: "Probably Damaging"; Align-GVGD: "Class C0"). In summary, the available evidence is currently insufficient to determine the role of this variant in disease. Therefore, it has been classified as a Variant of Uncertain Significance.